The following is an entry in ClinVar:

ClinVar aggregate classification (germline): Uncertain significance. Review status: criteria provided, multiple submitters, no conflicts (2 of 4 stars). 2 submissions from 2 submitters: Uncertain significance (2). Last evaluated 2023-07-05.

Conditions:
Inborn genetic diseases. Identifiers: MedGen C0950123, MeSH D030342.

Allele frequency attached by ClinVar (database versions not stated): gnomAD 0.00001; gnomAD exomes 0.00001.
gnomAD v4.1: 8 of 1,613,544 alleles (0.0005%); highest among the groups gnomAD compares: East Asian, 0.0022%; no homozygotes.

Submissions (2):

Ambry Genetics
Classification: Uncertain significance for Inborn genetic diseases. Last evaluated: 2023-07-05. Review status: criteria provided, single submitter. Criteria: Ambry Variant Classification Scheme 2023. Collection method: clinical testing. Allele origin: germline.

Labcorp Genetics (formerly Invitae), Labcorp
Classification: Uncertain significance. Last evaluated: 2022-05-07. Review status: criteria provided, single submitter. Criteria: Invitae Variant Classification Sherloc (09022015). Collection method: clinical testing. Allele origin: germline.
Comment: This sequence change replaces aspartic acid, which is acidic and polar, with asparagine, which is neutral and polar, at codon 2555 of the MYO18B protein (p.Asp2555Asn). This variant is not present in population databases (gnomAD no frequency). In summary, the available evidence is currently insufficient to determine the role of this variant in disease. Therefore, it has been classified as a Variant of Uncertain Significance. Algorithms developed to predict the effect of missense changes on protein structure and function are either unavailable or do not agree on the potential impact of this missense change (SIFT: "Not Available"; PolyPhen-2: "Benign"; Align-GVGD: "Not Available"). This variant has not been reported in the literature in individuals affected with MYO18B-related conditions.

NM_032608.7(MYO18B):c.7663G>A (p.Asp2555Asn)

Gene: MYO18B (myosin XVIIIB; plus strand). Cytogenetic location: 22q12.1.
Variant type: single nucleotide variant.
Coding change: c.7663G>A on transcript NM_032608.7 (MANE Select); coding-DNA position 7663, G replaced by A.
Protein change: p.Asp2555Asn; replaces aspartic acid 2555 with asparagine.
Molecular consequence: missense variant.
Genome position (GRCh38, 1-based): chr22:26,027,637, G>A. VCF-style: chr22-26027637-G-A. GRCh37 (hg19) VCF-style: chr22-26423603-G-A.
Other names: c.7663G>A (NM_032608.5); c.7666G>A, p.Asp2556Asn (NM_001318245.2); short protein forms D2556N, D2555N.
Identifiers: ClinVar variation 1932416 (VCV001932416.7), dbSNP rs1936365464, ClinGen allele CA411013283.